The following is an entry in ClinVar:

ClinVar aggregate classification (germline): Uncertain significance. Review status: criteria provided, multiple submitters, no conflicts (2 of 4 stars). 3 submissions from 3 submitters: Uncertain significance (3). Last evaluated 2025-03-04.

Conditions:
Inborn genetic diseases. Identifiers: MedGen C0950123, MeSH D030342.

Allele frequency attached by ClinVar (database versions not stated): TOPMed below 0.00001; ExAC 0.00001; gnomAD 0.00001 and 0.00002.
gnomAD v4.1: 34 of 1,602,160 alleles (0.0021%); highest among the groups gnomAD compares: South Asian, 0.023%; 1 homozygote.

Submissions (3):

GeneDx
Classification: Uncertain significance. Last evaluated: 2025-03-04. Review status: criteria provided, single submitter. Criteria: GeneDx Variant Classification Process June 2021. Collection method: clinical testing. Allele origin: germline. Affected: yes.
Comment: In silico analysis supports that this missense variant has a deleterious effect on protein structure/function; Has not been previously published as pathogenic or benign to our knowledge; This variant is associated with the following publications: (PMID: 23472759)

Labcorp Genetics (formerly Invitae), Labcorp
Classification: Uncertain significance. Last evaluated: 2025-01-06. Review status: criteria provided, single submitter. Criteria: Invitae Variant Classification Sherloc (09022015). Collection method: clinical testing. Allele origin: germline.
Comment: This sequence change replaces arginine, which is basic and polar, with cysteine, which is neutral and slightly polar, at codon 1769 of the LAMB1 protein (p.Arg1769Cys). This variant is present in population databases (rs770117339, gnomAD 0.01%). This variant has not been reported in the literature in individuals affected with LAMB1-related conditions. ClinVar contains an entry for this variant (Variation ID: 1496776). An algorithm developed to predict the effect of missense changes on protein structure and function (PolyPhen-2) suggests that this variant is likely to be disruptive. In summary, the available evidence is currently insufficient to determine the role of this variant in disease. Therefore, it has been classified as a Variant of Uncertain Significance.

Ambry Genetics
Classification: Uncertain significance for Inborn genetic diseases. Last evaluated: 2022-04-12. Review status: criteria provided, single submitter. Criteria: Ambry Variant Classification Scheme 2023. Collection method: clinical testing. Allele origin: germline.

NM_002291.3(LAMB1):c.5305C>T (p.Arg1769Cys)

Gene: LAMB1 (laminin subunit beta 1; minus strand). Cytogenetic location: 7q31.1.
Variant type: single nucleotide variant.
Coding change: c.5305C>T on transcript NM_002291.3 (MANE Select); coding-DNA position 5305, C replaced by T.
Protein change: p.Arg1769Cys; replaces arginine 1769 with cysteine.
Molecular consequence: missense variant.
Genome position (GRCh38, 1-based): chr7:107,924,007, G>A on the plus strand (C>T on the coding strand, the complement: LAMB1 is on the minus strand). VCF-style: chr7-107924007-G-A. GRCh37 (hg19) VCF-style: chr7-107564452-G-A.
Other names: c.5305C>T (NM_002291.2); short protein forms R1769C.
Identifiers: ClinVar variation 1496776 (VCV001496776.8), dbSNP rs770117339, ClinGen allele CA4434772.